The following is an entry in ClinVar:

NM_033337.3(CAV3):c.301T>C (p.Trp101Arg)

Genes: CAV3 (caveolin 3; plus strand), OXTR (oxytocin receptor; minus strand). Cytogenetic location: 3p25.3.
Variant type: single nucleotide variant.
Coding change: c.301T>C on transcript NM_033337.3 (MANE Select); coding-DNA position 301, T replaced by C.
Protein change: p.Trp101Arg; replaces tryptophan 101 with arginine.
Molecular consequence: missense variant.
Genome position (GRCh38, 1-based): chr3:8,745,712, T>C. VCF-style: chr3-8745712-T-C. GRCh37 (hg19) VCF-style: chr3-8787398-T-C.
Other names: c.301T>C, p.Trp101Arg (NM_001234.5); short protein forms W101R.
Identifiers: ClinVar variation 31734 (VCV000031734.16), dbSNP rs199476337, ClinGen allele CA215196.

ClinVar aggregate classification (germline): Conflicting classifications of pathogenicity. Review status: criteria provided, conflicting classifications (1 of 4 stars). 4 submissions from 4 submitters: Pathogenic (1); Likely pathogenic (1); Uncertain significance (1). 1 of the submissions does not count toward it. Last evaluated 2022-06-20.

Conditions:
Long QT syndrome (LQTS). Identifiers: MedGen C0023976, MeSH D008133, MONDO:0002442. Disease mechanism: loss of function. Inheritance: Various modes of inheritance.

Submissions (4):

Labcorp Genetics (formerly Invitae), Labcorp
Classification: Uncertain significance for Long QT syndrome. Last evaluated: 2022-06-20. Review status: criteria provided, single submitter. Criteria: Invitae Variant Classification Sherloc (09022015). Collection method: clinical testing. Allele origin: germline.
Comment: ClinVar contains an entry for this variant (Variation ID: 31734). This missense change has been observed in individuals with autosomal dominant CAV3-related conditions (PMID: 18583131, 30564623; Invitae). In summary, the available evidence is currently insufficient to determine the role of this variant in disease. Therefore, it has been classified as a Variant of Uncertain Significance. Algorithms developed to predict the effect of missense changes on protein structure and function (SIFT, PolyPhen-2, Align-GVGD) all suggest that this variant is likely to be disruptive. This variant is not present in population databases (gnomAD no frequency). This sequence change replaces tryptophan, which is neutral and slightly polar, with arginine, which is basic and polar, at codon 101 of the CAV3 protein (p.Trp101Arg).

Revvity Omics, Revvity
Classification: Likely pathogenic. Last evaluated: 2019-03-07. Review status: criteria provided, single submitter. Criteria: ACMG Guidelines, 2015. Collection method: clinical testing. Allele origin: germline.

Eurofins Ntd Llc (ga)
Classification: Pathogenic. Last evaluated: 2016-06-08. Review status: criteria provided, single submitter. Criteria: EGL Classification Definitions 2015. Collection method: clinical testing. Allele origin: germline. Observed: 2 variant alleles, 2 heterozygotes.

Leiden Muscular Dystrophy (CAV3)
No classification provided. Last evaluated: 2012-04-15. Review status: no classification provided. Collection method: curation. Allele origin: de novo. Not counted in ClinVar's aggregate classification.

Literature cited by the submitters: PubMed 18583131 (cited by Labcorp Genetics (formerly Invitae), Labcorp); PubMed 30564623 (cited by Labcorp Genetics (formerly Invitae), Labcorp).